The following is an entry in ClinVar:

NM_001042492.3(NF1):c.4951A>C (p.Ser1651Arg)

Gene: NF1 (neurofibromin 1; plus strand). Cytogenetic location: 17q11.2.
Variant type: single nucleotide variant.
Coding change: c.4951A>C on transcript NM_001042492.3 (MANE Select); coding-DNA position 4951, A replaced by C.
Protein change: p.Ser1651Arg; replaces serine 1651 with arginine.
Molecular consequence: missense variant.
Genome position (GRCh38, 1-based): chr17:31,325,935, A>C. VCF-style: chr17-31325935-A-C. GRCh37 (hg19) VCF-style: chr17-29652953-A-C.
Other names: c.4888A>C, p.Ser1630Arg (NM_000267.4); short protein forms S1630R, S1651R.
Identifiers: ClinVar variation 457729 (VCV000457729.5), dbSNP rs1555533314, ClinGen allele CA399007174.

ClinVar aggregate classification (germline): Uncertain significance (1 of 4 stars; one submission).

Conditions:
Neurofibromatosis, type 1 (NF1). Also called: VON RECKLINGHAUSEN DISEASE; NEUROFIBROMATOSIS, TYPE I, SOMATIC; Peripheral type neurofibromatosis; Neurofibromatosis, type I. Identifiers: Orphanet 636, MedGen C0027831, MONDO:0018975, OMIM 162200. Disease mechanism: loss of function.

Submission:

Labcorp Genetics (formerly Invitae), Labcorp
Classification: Uncertain significance for Neurofibromatosis, type 1. Last evaluated: 2020-01-22. Review status: criteria provided, single submitter. Criteria: Invitae Variant Classification Sherloc (09022015). Collection method: clinical testing. Allele origin: germline.
Comment: In summary, this variant has uncertain impact on NF1 function. The available evidence is currently insufficient to determine its role in disease. Therefore, it has been classified as a Variant of Uncertain Significance. Algorithms developed to predict the effect of missense changes on protein structure and function do not agree on the potential impact of this missense change (SIFT: "Tolerated"; PolyPhen-2: "Probably Damaging"; Align-GVGD: "Class C0"). This variant has not been reported in the literature in individuals with a NF1-related disease. This variant is not present in population databases (ExAC no frequency). This sequence change replaces serine with arginine at codon 1630 of the NF1 protein (p.Ser1630Arg). The serine residue is moderately conserved and there is a moderate physicochemical difference between serine and arginine.